The following is an entry in ClinVar:

NM_001363.5(DKC1):c.778A>G (p.Met260Val)

Gene: DKC1 (dyskerin pseudouridine synthase 1; plus strand). Cytogenetic location: Xq28.
Variant type: single nucleotide variant.
Coding change: c.778A>G on transcript NM_001363.5 (MANE Select); coding-DNA position 778, A replaced by G.
Protein change: p.Met260Val; replaces methionine 260 with valine.
Molecular consequence: missense variant. On other transcripts: non-coding transcript variant (3).
Genome position (GRCh38, 1-based): chrX:154,769,173, A>G. VCF-style: chrX-154769173-A-G. GRCh37 (hg19) VCF-style: chrX-153997448-A-G.
Other names: c.778A>G, p.Met260Val (NM_001142463.3, NM_001288747.2); short protein forms M260V.
Identifiers: ClinVar variation 2992656 (VCV002992656.5), dbSNP rs1557264636, ClinGen allele CA414891066.

ClinVar aggregate classification (germline): Uncertain significance. Review status: criteria provided, multiple submitters, no conflicts (2 of 4 stars). 2 submissions from 2 submitters: Uncertain significance (2). Last evaluated 2026-01-03.

Conditions:
Dyskeratosis congenita. Identifiers: Orphanet 1775, MedGen C0265965, MONDO:0015780.

Allele frequency attached by ClinVar (database versions not stated): gnomAD exomes below 0.00001.
gnomAD v4.1: 2 of 1,210,699 alleles (0.00017%); highest among the groups gnomAD compares: East Asian, 0.003%; no homozygotes.

Submissions (2):

Dasa
Classification: Uncertain significance. Last evaluated: 2026-01-03. Review status: criteria provided, single submitter. Criteria: DASA Assertion Criteria. Collection method: clinical testing. Allele origin: germline.
Comment: NM_001363.5(DKC1):c.778A>G (p.Met260Val) is a missense variant that results in the substitution of methionine with valine. This variant is rare in population databases. The currently available literature and clinical evidence are not sufficient to establish a definitive association between this variant and the reported condition. Therefore, this variant is classified as a variant of uncertain significance.

Labcorp Genetics (formerly Invitae), Labcorp
Classification: Uncertain significance for Dyskeratosis congenita. Last evaluated: 2023-12-18. Review status: criteria provided, single submitter. Criteria: Invitae Variant Classification Sherloc (09022015). Collection method: clinical testing. Allele origin: germline.
Comment: This sequence change replaces methionine, which is neutral and non-polar, with valine, which is neutral and non-polar, at codon 260 of the DKC1 protein (p.Met260Val). This variant is present in population databases (no rsID available, gnomAD 0.008%). This variant has not been reported in the literature in individuals affected with DKC1-related conditions. Advanced modeling of protein sequence and biophysical properties (such as structural, functional, and spatial information, amino acid conservation, physicochemical variation, residue mobility, and thermodynamic stability) performed at Invitae indicates that this missense variant is not expected to disrupt DKC1 protein function with a negative predictive value of 80%. In summary, the available evidence is currently insufficient to determine the role of this variant in disease. Therefore, it has been classified as a Variant of Uncertain Significance.